The following is an entry in ClinVar:

NM_006516.4(SLC2A1):c.791G>A (p.Arg264His)

Gene: SLC2A1 (solute carrier family 2 member 1; minus strand). Cytogenetic location: 1p34.2.
Variant type: single nucleotide variant.
Coding change: c.791G>A on transcript NM_006516.4 (MANE Select); coding-DNA position 791, G replaced by A.
Protein change: p.Arg264His; replaces arginine 264 with histidine.
Molecular consequence: missense variant.
Genome position (GRCh38, 1-based): chr1:42,929,669, C>T on the plus strand (G>A on the coding strand, the complement: SLC2A1 is on the minus strand). VCF-style: chr1-42929669-C-T. GRCh37 (hg19) VCF-style: chr1-43395340-C-T.
Other names: short protein forms R264H.
Identifiers: ClinVar variation 493037 (VCV000493037.50), dbSNP rs758919432, ClinGen allele CA803454.

ClinVar aggregate classification (germline): Uncertain significance. Review status: criteria provided, multiple submitters, no conflicts (2 of 4 stars). 7 submissions from 3 submitters: Uncertain significance (7). Last evaluated 2025-01-17.

Conditions:
Hereditary cryohydrocytosis with reduced stomatin. Also called: Stomatin-deficient cryohydrocytosis with neurologic defects; GLUT1 DEFICIENCY SYNDROME WITH PSEUDOHYPERKALEMIA AND HEMOLYSIS. Identifiers: Orphanet 168577, MedGen C1837206, MONDO:0012143, OMIM 608885.
Epilepsy, idiopathic generalized, susceptibility to, 12 (EIG12). Identifiers: MedGen C3553859, MONDO:0013919, OMIM 614847.
Dystonia 9 (DYT9). Also called: CHOREOATHETOSIS, KINESIGENIC, WITH EPISODIC ATAXIA AND SPASTICITY. Identifiers: Orphanet 53583, MedGen C1832855, MONDO:0010983, OMIM 601042.
Encephalopathy due to GLUT1 deficiency. Also called: GLUT1 deficiency syndrome 1, infantile onset, severe; GLUCOSE TRANSPORT DEFECT, BLOOD-BRAIN BARRIER; Glucose transporter protein syndrome; GLUT1 deficiency syndrome 1; Classic Glucose Transporter Type 1 Deficiency Syndrome; De Vivo disease. Identifiers: Orphanet 71277, MedGen C4551966, MONDO:0011724, OMIM 606777.
GLUT1 deficiency syndrome 1, autosomal recessive. Identifiers: MedGen C3149117.
Childhood onset GLUT1 deficiency syndrome 2. Also called: PxMD-SLC2A1; PAROXYSMAL EXERCISE-INDUCED DYSKINESIA WITH OR WITHOUT EPILEPSY AND/OR HEMOLYTIC ANEMIA; PAROXYSMAL EXERTION-INDUCED DYSTONIA WITH OR WITHOUT EPILEPSY AND/OR HEMOLYTIC ANEMIA; PED WITH OR WITHOUT EPILEPSY AND/OR HEMOLYTIC ANEMIA; Paroxysmal exercise-induced dystonia; GLUT1 deficiency syndrome 2. Identifiers: Orphanet 98811, MedGen C1842534, MONDO:0012805, OMIM 612126.

Allele frequency attached by ClinVar (database versions not stated): gnomAD exomes below 0.00001 and 0.00001; ExAC 0.00001.
gnomAD v4.1: 7 of 1,613,600 alleles (0.00043%); highest among the groups gnomAD compares: Non-Finnish European, 0.00059%; no homozygotes.

Submissions (7):

Labcorp Genetics (formerly Invitae), Labcorp
Classification: Uncertain significance for GLUT1 deficiency syndrome 1, autosomal recessive. Last evaluated: 2025-01-17. Review status: criteria provided, single submitter. Criteria: Invitae Variant Classification Sherloc (09022015). Collection method: clinical testing. Allele origin: germline.
Comment: This sequence change replaces arginine, which is basic and polar, with histidine, which is basic and polar, at codon 264 of the SLC2A1 protein (p.Arg264His). The frequency data for this variant in the population databases is considered unreliable, as metrics indicate poor data quality at this position in the gnomAD database. This variant has not been reported in the literature in individuals affected with SLC2A1-related conditions. ClinVar contains an entry for this variant (Variation ID: 493037). Invitae Evidence Modeling of protein sequence and biophysical properties (such as structural, functional, and spatial information, amino acid conservation, physicochemical variation, residue mobility, and thermodynamic stability) indicates that this missense variant is expected to disrupt SLC2A1 protein function with a positive predictive value of 80%. In summary, the available evidence is currently insufficient to determine the role of this variant in disease. Therefore, it has been classified as a Variant of Uncertain Significance.

Genome-Nilou Lab
Classification: Uncertain significance for Epilepsy, idiopathic generalized, susceptibility to, 12. Last evaluated: 2023-04-11. Review status: criteria provided, single submitter. Criteria: ACMG Guidelines, 2015. Collection method: clinical testing. Allele origin: germline. Affected: no.

Genome-Nilou Lab
Classification: Uncertain significance for Dystonia 9. Last evaluated: 2023-04-11. Review status: criteria provided, single submitter. Criteria: ACMG Guidelines, 2015. Collection method: clinical testing. Allele origin: germline. Affected: no.

Genome-Nilou Lab
Classification: Uncertain significance for Encephalopathy due to GLUT1 deficiency. Last evaluated: 2023-04-11. Review status: criteria provided, single submitter. Criteria: ACMG Guidelines, 2015. Collection method: clinical testing. Allele origin: germline. Affected: no.

Genome-Nilou Lab
Classification: Uncertain significance for Childhood onset GLUT1 deficiency syndrome 2. Last evaluated: 2023-04-11. Review status: criteria provided, single submitter. Criteria: ACMG Guidelines, 2015. Collection method: clinical testing. Allele origin: germline. Affected: no.

Genome-Nilou Lab
Classification: Uncertain significance for Hereditary cryohydrocytosis with reduced stomatin. Last evaluated: 2023-04-11. Review status: criteria provided, single submitter. Criteria: ACMG Guidelines, 2015. Collection method: clinical testing. Allele origin: germline. Affected: no.

CeGaT Center for Human Genetics Tuebingen
Classification: Uncertain significance. Last evaluated: 2017-09-01. Review status: criteria provided, single submitter. Criteria: CeGaT Center For Human Genetics Tuebingen Variant Classification Criteria Version 2. Collection method: clinical testing. Allele origin: germline. Affected: yes. Observed: 1 variant allele.